The following is an entry in ClinVar:

NM_004629.2(FANCG):c.1019G>A (p.Cys340Tyr)

Gene: FANCG (FA complementation group G; minus strand). Cytogenetic location: 9p13.3.
Variant type: single nucleotide variant.
Coding change: c.1019G>A on transcript NM_004629.2 (MANE Select); coding-DNA position 1019, G replaced by A.
Protein change: p.Cys340Tyr; replaces cysteine 340 with tyrosine.
Molecular consequence: missense variant.
Genome position (GRCh38, 1-based): chr9:35,076,489, C>T on the plus strand (G>A on the coding strand, the complement: FANCG is on the minus strand). VCF-style: chr9-35076489-C-T. GRCh37 (hg19) VCF-style: chr9-35076486-C-T.
Other names: short protein forms C340Y.
Identifiers: ClinVar variation 1054834 (VCV001054834.2), dbSNP rs2131055383, ClinGen allele CA373310807.

ClinVar aggregate classification (germline): Uncertain significance (1 of 4 stars; one submission).

Conditions:
Fanconi anemia (FA). Also called: Fanconi's anemia. Identifiers: Orphanet 84, MedGen C0015625, MeSH D005199, MONDO:0019391.

Allele frequency attached by ClinVar (database versions not stated): gnomAD exomes below 0.00001.
gnomAD v4.1: 1 of 1,614,126 alleles (0.000062%); highest among the groups gnomAD compares: East Asian, 0.0022%; no homozygotes.

Submission:

Labcorp Genetics (formerly Invitae), Labcorp
Classification: Uncertain significance for Fanconi anemia. Last evaluated: 2022-10-13. Review status: criteria provided, single submitter. Criteria: Invitae Variant Classification Sherloc (09022015). Collection method: clinical testing. Allele origin: germline.
Comment: This sequence change replaces cysteine, which is neutral and slightly polar, with tyrosine, which is neutral and polar, at codon 340 of the FANCG protein (p.Cys340Tyr). This variant is not present in population databases (gnomAD no frequency). This variant has not been reported in the literature in individuals affected with FANCG-related conditions. ClinVar contains an entry for this variant (Variation ID: 1054834). Advanced modeling of protein sequence and biophysical properties (such as structural, functional, and spatial information, amino acid conservation, physicochemical variation, residue mobility, and thermodynamic stability) has been performed at Invitae for this missense variant, however the output from this modeling did not meet the statistical confidence thresholds required to predict the impact of this variant on FANCG protein function. In summary, the available evidence is currently insufficient to determine the role of this variant in disease. Therefore, it has been classified as a Variant of Uncertain Significance.